The following is an entry in ClinVar:

ClinVar aggregate classification (germline): Conflicting classifications of pathogenicity. Review status: criteria provided, conflicting classifications (1 of 4 stars). 6 submissions from 6 submitters: Likely pathogenic (1); Uncertain significance (2). 3 of the submissions do not count toward it. Last evaluated 2025-07-23.

Conditions:
CFTR-related disorder (CFTR-RD). Also called: CFTR-related disorders; CFTR-related condition. Identifiers: MedGen C5924204, MONDO:7770004.
Cystic fibrosis (CF). Also called: MUCOVISCIDOSIS. Identifiers: Orphanet 586, MedGen C0010674, MONDO:0009061, OMIM 219700. Disease mechanism: loss of function.

gnomAD v4.1: 1 of 1,613,256 alleles (0.000062%); highest among the groups gnomAD compares: Non-Finnish European, 0.000085%; no homozygotes.

Submissions (6):

Women's Health and Genetics/Laboratory Corporation of America, LabCorp
Classification: Uncertain significance. Last evaluated: 2025-07-23. Review status: criteria provided, single submitter. Criteria: LabCorp Variant Classification Summary - May 2015. Collection method: clinical testing. Allele origin: germline.
Comment: Variant summary: CFTR c.3061C>T (p.Pro1021Ser) results in a non-conservative amino acid change in the encoded protein sequence. Algorithms developed to predict the effect of missense changes on protein structure and function all suggest that this variant is likely to be disruptive. The variant allele was found at a frequency of 4e-06 in 251098 control chromosomes. The available data on variant occurrences in the general population are insufficient to allow any conclusion about variant significance. c.3061C>T has been observed in an individual affected with Congenital Bilateral Absence of the Bas Deferens (Casals_2000). These data do not allow any conclusion about variant significance. A different variant affecting the same codon has been classified as likely pathogenic/pathogenic by our lab (c.3061C>A, p.Pro1021Thr), supporting the critical relevance of codon 1021 to CFTR protein function. To our knowledge, no experimental evidence demonstrating an impact on protein function has been reported. ClinVar contains an entry for this variant (Variation ID: 53643). Based on the evidence outlined above, the variant was classified as VUS-possibly pathogenic.

Labcorp Genetics (formerly Invitae), Labcorp
Classification: Likely pathogenic for Cystic fibrosis. Last evaluated: 2023-03-10. Review status: criteria provided, single submitter. Criteria: Invitae Variant Classification Sherloc (09022015). Collection method: clinical testing. Allele origin: germline.
Comment: ClinVar contains an entry for this variant (Variation ID: 53643). This sequence change replaces proline, which is neutral and non-polar, with serine, which is neutral and polar, at codon 1021 of the CFTR protein (p.Pro1021Ser). This variant is present in population databases (rs397508491, gnomAD 0.0009%). This missense change has been observed in individual(s) with congenital bilateral absence of the vas deferens (PMID: 10875853). In at least one individual the data is consistent with being in trans (on the opposite chromosome) from a pathogenic variant. Advanced modeling of protein sequence and biophysical properties (such as structural, functional, and spatial information, amino acid conservation, physicochemical variation, residue mobility, and thermodynamic stability) performed at Invitae indicates that this missense variant is expected to disrupt CFTR protein function. This variant disrupts the p.Pro1021 amino acid residue in CFTR. Other variant(s) that disrupt this residue have been determined to be pathogenic (PMID: 8663008). This suggests that this residue is clinically significant, and that variants that disrupt this residue are likely to be disease-causing. In summary, the currently available evidence indicates that the variant is pathogenic, but additional data are needed to prove that conclusively. Therefore, this variant has been classified as Likely Pathogenic.

Genome-Nilou Lab
Classification: Uncertain significance for Cystic fibrosis. Last evaluated: 2021-09-05. Review status: criteria provided, single submitter. Criteria: ACMG Guidelines, 2015. Collection method: clinical testing. Allele origin: germline. Affected: no.

Natera, Inc.
Classification: Uncertain significance for CFTR-related disorders. Last evaluated: 2020-07-17. Review status: no assertion criteria provided. Collection method: clinical testing. Allele origin: germline. Not counted in ClinVar's aggregate classification.

Counsyl
Classification: Uncertain significance for Cystic fibrosis. Last evaluated: 2017-06-09. Review status: no assertion criteria provided. Collection method: clinical testing. Allele origin: unknown. Not counted in ClinVar's aggregate classification.

ClinVar Staff, National Center for Biotechnology Information (NCBI)
No classification provided. Condition: CFTR-related disorders. Review status: no classification provided. Collection method: literature only. Allele origin: germline. Affected: yes. Not counted in ClinVar's aggregate classification.

Literature cited by the submitters: PubMed 10875853 (cited by Women's Health and Genetics/Laboratory Corporation of America, LabCorp and Labcorp Genetics (formerly Invitae), Labcorp); PubMed 8663008 (cited by Labcorp Genetics (formerly Invitae), Labcorp); PubMed 20059485 (cited by ClinVar Staff, National Center for Biotechnology Information (NCBI)).

NM_000492.4(CFTR):c.3061C>T (p.Pro1021Ser)

Genes: CFTR (CF transmembrane conductance regulator; plus strand), CFTR-AS2 (CFTR antisense RNA 2; minus strand), LOC111674472 (DNase I hypersensitive sites in introns 16 and 17a of CFTR; plus strand). Cytogenetic location: 7q31.2.
Variant type: single nucleotide variant.
Coding change: c.3061C>T on transcript NM_000492.4 (MANE Select); coding-DNA position 3061, C replaced by T.
Protein change: p.Pro1021Ser; replaces proline 1021 with serine.
Molecular consequence: missense variant.
Genome position (GRCh38, 1-based): chr7:117,610,591, C>T. VCF-style: chr7-117610591-C-T. GRCh37 (hg19) VCF-style: chr7-117250645-C-T.
Other names: short protein forms P1021S.
Identifiers: ClinVar variation 53643 (VCV000053643.14), dbSNP rs397508491, ClinGen allele CA327033.